The following is an entry in ClinVar:

ClinVar aggregate classification (germline): Likely pathogenic. Review status: criteria provided, multiple submitters, no conflicts (2 of 4 stars). 6 submissions from 6 submitters: Likely pathogenic (5). 1 of the submissions does not count toward it. Last evaluated 2025-06-06.

Conditions:
Fatal mitochondrial disease due to combined oxidative phosphorylation defect type 3. Also called: Combined oxidative phosphorylation deficiency 3; ENCEPHALOMYOPATHY, RESPIRATORY FAILURE, AND LACTIC ACIDOSIS. Identifiers: Orphanet 168566, MedGen C1864840, MONDO:0012512, OMIM 610505.

Allele frequency attached by ClinVar (database versions not stated): gnomAD exomes 0.00001; gnomAD 0.00004 and 0.00003; ExAC 0.00001; TOPMed 0.00002.
gnomAD v4.1: 19 of 1,452,644 alleles (0.0013%); highest among the groups gnomAD compares: African/African-American, 0.0028%; no homozygotes.

Submissions (6):

Natera, Inc.
Classification: Likely pathogenic for Combined oxidative phosphorylation deficiency 3. Last evaluated: 2025-06-06. Review status: criteria provided, single submitter. Criteria: Natera Variant Classification Schema (03/2026). Collection method: clinical testing. Allele origin: germline.
Comment: The c.1007G>A variant in TSFM is a missense variant predicted to cause substitution of cysteine to tyrosine at amino acid 336. This variant is rare in the general population with a frequency below the threshold expected for the associated phenotype(s). This variant has been observed in one or more individuals affected with the associated recessive disease, as either homozygous or compound heterozygous with a second variant (PMID: 30297209, 25037205). Additionally, this variant has been observed to segregate in affected family members (PMID: 25037205). Computational prediction algorithms indicate this variant is likely to affect gene or protein function. Given the available evidence, this variant is classified as Likely Pathogenic.

Labcorp Genetics (formerly Invitae), Labcorp
Classification: Likely pathogenic. Last evaluated: 2024-05-21. Review status: criteria provided, single submitter. Criteria: Invitae Variant Classification Sherloc (09022015). Collection method: clinical testing. Allele origin: germline.
Comment: This sequence change replaces cysteine, which is neutral and slightly polar, with tyrosine, which is neutral and polar, at codon 336 of the TSFM protein (p.Cys336Tyr). This variant is present in population databases (rs587777688, gnomAD 0.004%). This missense change has been observed in individual(s) with clinical features of Leigh syndrome (PMID: 25037205). In at least one individual the data is consistent with being in trans (on the opposite chromosome) from a pathogenic variant. It has also been observed to segregate with disease in related individuals. This variant is also known as C315Y. ClinVar contains an entry for this variant (Variation ID: 155719). Advanced modeling of protein sequence and biophysical properties (such as structural, functional, and spatial information, amino acid conservation, physicochemical variation, residue mobility, and thermodynamic stability) performed at Invitae indicates that this missense variant is expected to disrupt TSFM protein function with a positive predictive value of 80%. In summary, the currently available evidence indicates that the variant is pathogenic, but additional data are needed to prove that conclusively. Therefore, this variant has been classified as Likely Pathogenic.

Baylor Genetics
Classification: Likely pathogenic for Fatal mitochondrial disease due to combined oxidative phosphorylation defect type 3. Last evaluated: 2023-08-23. Review status: criteria provided, single submitter. Criteria: ACMG Guidelines, 2015. Collection method: clinical testing. Allele origin: unknown.

Revvity Omics, Revvity
Classification: Likely pathogenic for Fatal mitochondrial disease due to combined oxidative phosphorylation defect type 3. Last evaluated: 2021-05-31. Review status: criteria provided, single submitter. Criteria: ACMG Guidelines, 2015. Collection method: clinical testing. Allele origin: germline.

CeGaT Center for Human Genetics Tuebingen
Classification: Likely pathogenic. Last evaluated: 2016-09-01. Review status: criteria provided, single submitter. Criteria: CeGaT Center For Human Genetics Tuebingen Variant Classification Criteria Version 2. Collection method: clinical testing. Allele origin: germline. Affected: yes. Observed: 1 variant allele.

OMIM
Classification: Pathogenic for COMBINED OXIDATIVE PHOSPHORYLATION DEFICIENCY 3. Last evaluated: 2014-08-19. Review status: no assertion criteria provided. Collection method: literature only. Allele origin: germline. Not counted in ClinVar's aggregate classification.

Literature cited by the submitters: PubMed 30297209 (cited by Natera, Inc.); PubMed 25037205 (cited by 3 submitters).

NM_005726.6(TSFM):c.944G>A (p.Cys315Tyr)

Gene: TSFM (Ts translation elongation factor, mitochondrial; plus strand). Cytogenetic location: 12q14.1.
Variant type: single nucleotide variant.
Coding change: c.944G>A on transcript NM_005726.6 (MANE Select); coding-DNA position 944, G replaced by A.
Protein change: p.Cys315Tyr; replaces cysteine 315 with tyrosine.
Molecular consequence: missense variant. On other transcripts: 3 prime UTR variant (1), intron variant (1).
Genome position (GRCh38, 1-based): chr12:57,796,549, G>A. VCF-style: chr12-57796549-G-A. GRCh37 (hg19) VCF-style: chr12-58190332-G-A.
Other names: c.1007G>A (NM_001172696.1); c.*352G>A (NM_001172695.2); c.1007G>A, p.Cys336Tyr (NM_001172696.2); c.571+3476G>A (NM_001172697.2); short protein forms C315Y, C336Y.
Identifiers: ClinVar variation 155719 (VCV000155719.51), dbSNP rs587777688, ClinGen allele CA170671.